The following is an entry in ClinVar:

NM_000789.4(ACE):c.3430C>T (p.Gln1144Ter)

Gene: ACE (angiotensin I converting enzyme; plus strand). Cytogenetic location: 17q23.3.
Variant type: single nucleotide variant.
Coding change: c.3430C>T on transcript NM_000789.4 (MANE Select); coding-DNA position 3430, C replaced by T.
Protein change: p.Gln1144Ter; replaces glutamine 1144 with a stop codon.
Molecular consequence: nonsense. On other transcripts: non-coding transcript variant (1), intron variant (2).
Genome position (GRCh38, 1-based): chr17:63,496,443, C>T. VCF-style: chr17-63496443-C-T. GRCh37 (hg19) VCF-style: chr17-61573804-C-T.
Other names: c.2863C>T, p.Gln955Ter (NM_001382700.1); c.2578C>T, p.Gln860Ter (NM_001382701.1); c.1708C>T, p.Gln570Ter (NM_152830.3); c.1659-355C>T (NM_001178057.2); c.1119-355C>T (NM_001382702.1); short protein forms Q1144*, Q570*, Q860*, Q955*.
Identifiers: ClinVar variation 4685105 (VCV004685105.1).

ClinVar aggregate classification (germline): Pathogenic (1 of 4 stars; one submission).

gnomAD v4.1: 3 of 1,614,120 alleles (0.00019%); highest among the groups gnomAD compares: Non-Finnish European, 0.00025%; no homozygotes.

Submission:

GeneDx
Classification: Pathogenic. Last evaluated: 2025-07-09. Review status: criteria provided, single submitter. Criteria: GeneDx Variant Classification Process June 2021. Collection method: clinical testing. Allele origin: germline. Affected: yes.
Comment: Reported in a large cohort of individuals with cardiovascular disease traits; however, further clinical information was not provided (PMID: 31345219); Nonsense variant predicted to result in protein truncation or nonsense mediated decay in a gene for which loss of function is a known mechanism of disease; Not observed at significant frequency in large population cohorts (gnomAD); This variant is associated with the following publications: (PMID: 31345219)